The following is an entry in ClinVar:

ClinVar aggregate classification (germline): Conflicting classifications of pathogenicity. Review status: criteria provided, conflicting classifications (1 of 4 stars). 4 submissions from 4 submitters: Pathogenic (1); Likely pathogenic (1); Uncertain significance (1). 1 of the submissions does not count toward it. Last evaluated 2025-11-06.

Conditions:
Fanconi anemia (FA). Also called: Fanconi's anemia. Identifiers: Orphanet 84, MedGen C0015625, MeSH D005199, MONDO:0019391.
Fanconi anemia complementation group A (FANCA). Also called: Fanconi anemia, group A; FANCA-Related Fanconi Anemia. Identifiers: Orphanet 84, MedGen C3469521, MONDO:0009215, OMIM 227650.

Allele frequency attached by ClinVar (database versions not stated): gnomAD exomes below 0.00001.

Submissions (4):

Natera, Inc.
Classification: Likely pathogenic for Fanconi anemia. Last evaluated: 2025-11-06. Review status: criteria provided, single submitter. Criteria: Natera Variant Classification Schema (03/2026). Collection method: clinical testing. Allele origin: germline.
Comment: The c.4261-19_4261-12del variant in FANCA is a deletion affecting an intronic region. This variant is rare in the general population with a frequency below the threshold expected for the associated phenotype(s). This variant has been observed in one or more individuals affected with the associated recessive disease, as either homozygous or compound heterozygous with a second variant (PMID: 24584348, 32947577, 29098742). Given the available evidence, this variant is classified as Likely Pathogenic.

Baylor Genetics
Classification: Pathogenic for Fanconi anemia complementation group A. Last evaluated: 2023-06-22. Review status: criteria provided, single submitter. Criteria: ACMG Guidelines, 2015. Collection method: clinical testing. Allele origin: unknown.

Labcorp Genetics (formerly Invitae), Labcorp
Classification: Uncertain significance for Fanconi anemia. Last evaluated: 2022-07-06. Review status: criteria provided, single submitter. Criteria: Invitae Variant Classification Sherloc (09022015). Collection method: clinical testing. Allele origin: germline.
Comment: In summary, the available evidence is currently insufficient to determine the role of this variant in disease. Therefore, it has been classified as a Variant of Uncertain Significance. Algorithms developed to predict the effect of sequence changes on RNA splicing suggest that this variant may disrupt the consensus splice site. ClinVar contains an entry for this variant (Variation ID: 974173). This variant has been observed in individual(s) with Fanconi anemia (PMID: 15643609). This variant is not present in population databases (gnomAD no frequency). This sequence change falls in intron 42 of the FANCA gene. It does not directly change the encoded amino acid sequence of the FANCA protein.

Leiden Open Variation Database
Classification: Pathogenic for Fanconi anemia complementation group A. Last evaluated: 2020-02-28. Review status: no assertion criteria provided. Collection method: curation. Allele origin: germline. Affected: yes. Not counted in ClinVar's aggregate classification.
Comment: Curator: Arleen D. Auerbach. Submitter to LOVD: Arleen D. Auerbach.

Literature cited by the submitters: PubMed 24584348 (cited by Natera, Inc.); PubMed 32947577 (cited by Natera, Inc.); PubMed 29098742 (cited by Natera, Inc.); PubMed 15643609 (cited by Labcorp Genetics (formerly Invitae), Labcorp).

NM_000135.4(FANCA):c.4261-19_4261-12del

Genes: ZNF276 (zinc finger protein 276; plus strand), FANCA (FA complementation group A; minus strand). Cytogenetic location: 16q24.3.
Variant type: Deletion.
Coding change: c.4261-19_4261-12del on transcript NM_000135.4 (MANE Select); 19 bases into the intron before coding-DNA position 4261 through 12 bases into the intron before coding-DNA position 4261, 8 bases deleted (ACCTGCTC; older notation c.4261-19_4261-12delACCTGCTC).
Molecular consequence: intron variant. On other transcripts: 3 prime UTR variant (2), non-coding transcript variant (4).
Genome position (GRCh38, 1-based): chr16:89,738,720-89,738,727, GAGCAGGT deleted on the plus strand (ACCTGCTC on the coding strand, the reverse complement: FANCA is on the minus strand). VCF-style (leftmost placement, unchanged base first): chr16-89738719-GGAGCAGGT-G. GRCh37 (hg19) VCF-style: chr16-89805127-GGAGCAGGT-G.
Other names: c.*474_*481del (NM_001113525.2, NM_152287.4); c.4265-19_4265-12del (NM_001286167.3); c.4261-19_4261-12del (NM_000135.3).
Identifiers: ClinVar variation 974173 (VCV000974173.8), dbSNP rs1567591276, ClinGen allele CA919768975.